The following is an entry in ClinVar:

ClinVar aggregate classification (germline): Uncertain significance (1 of 4 stars; one submission).

Submission:

Labcorp Genetics (formerly Invitae), Labcorp
Classification: Uncertain significance. Last evaluated: 2021-03-12. Review status: criteria provided, single submitter. Criteria: Invitae Variant Classification Sherloc (09022015). Collection method: clinical testing. Allele origin: germline.
Comment: This variant is not present in population databases (ExAC no frequency). This sequence change replaces alanine with aspartic acid at codon 3356 of the HSPG2 protein (p.Ala3356Asp). The alanine residue is weakly conserved and there is a moderate physicochemical difference between alanine and aspartic acid. This variant has not been reported in the literature in individuals with HSPG2-related conditions. Algorithms developed to predict the effect of missense changes on protein structure and function (SIFT, PolyPhen-2, Align-GVGD) all suggest that this variant is likely to be tolerated, but these predictions have not been confirmed by published functional studies and their clinical significance is uncertain. In summary, the available evidence is currently insufficient to determine the role of this variant in disease. Therefore, it has been classified as a Variant of Uncertain Significance.

NM_005529.7(HSPG2):c.10067C>A (p.Ala3356Asp)

Gene: HSPG2 (heparan sulfate proteoglycan 2; minus strand). Cytogenetic location: 1p36.12.
Variant type: single nucleotide variant.
Coding change: c.10067C>A on transcript NM_005529.7 (MANE Select); coding-DNA position 10067, C replaced by A.
Protein change: p.Ala3356Asp; replaces alanine 3356 with aspartic acid.
Molecular consequence: missense variant.
Genome position (GRCh38, 1-based): chr1:21,838,908, G>T on the plus strand (C>A on the coding strand, the complement: HSPG2 is on the minus strand). VCF-style: chr1-21838908-G-T. GRCh37 (hg19) VCF-style: chr1-22165401-G-T.
Other names: c.10070C>A, p.Ala3357Asp (NM_001291860.2); short protein forms A3356D, A3357D.
Identifiers: ClinVar variation 1465806 (VCV001465806.8), dbSNP rs2152702762, ClinGen allele CA338911686.